The following continues an entry in ClinVar:

NM_000051.4(ATM):c.6343G>A (p.Val2115Ile)

ClinVar aggregate classification (germline): Conflicting classifications of pathogenicity. Uncertain significance (17); Likely benign (2).

Submissions 14 to 20 of 20:

MGZ Medical Genetics Center
Classification: Uncertain significance for Familial cancer of breast. Last evaluated: 2022-02-15. Review status: criteria provided, single submitter. Criteria: ACMG Guidelines, 2015. Collection method: clinical testing. Allele origin: germline. Affected: yes. Observed: 1 variant allele.
Comment: ACMG criteria applied: PS4_MOD, PM2_SUP, BP4

Sema4
Classification: Uncertain significance for Hereditary cancer-predisposing syndrome. Last evaluated: 2021-09-16. Review status: criteria provided, single submitter. Criteria: Sema4 Curation Guidelines. Collection method: curation. Allele origin: germline.
Comment: In a large dataset of women with breast cancer, it was also reported in 6/60,466 women with breast cancer and 1/53,461 controls (PMID 33471991). This variant was observed in 3/23986 chromosomes in the African/African American population according to the Genome Aggregation Database (PMID: 32461654). This variant has been reported in ClinVar (Variation ID 135770). Functional studies have not been performed, and in silico predictions of the variant's effect on protein function are inconclusive. The overall evidence is insufficient to meet ACMG/AMP criteria for classifying it as benign or pathogenic. In summary, the clinical significance of this variant is currently uncertain.

St. Jude Molecular Pathology, St. Jude Children's Research Hospital
Classification: Uncertain significance for Ataxia-telangiectasia syndrome. Last evaluated: 2021-09-09. Review status: criteria provided, single submitter. Criteria: St. Jude Assertion Criteria 2020. Collection method: clinical testing. Allele origin: germline.
Comment: The ATM c.6343G>A (p.Val2115Ile) missense change has a maximum frequency of 0.013% in gnomAD v2.1.1. This variant is reported 3x in the FLOSSIES database which contains genetic variants from women older than 70 years of age who have never had cancer. Seven of seven in silico tools predict a benign effect of this variant on protein function (BP4), but to our knowledge these predictions have not been confirmed by functional assays. In summary, this variant meets criteria to be classified as of uncertain significance based on the ACMG/AMP criteria: BP4.

Fulgent Genetics
Classification: Uncertain significance for Familial cancer of breast; Ataxia-telangiectasia syndrome. Last evaluated: 2021-07-23. Review status: criteria provided, single submitter. Criteria: ACMG Guidelines, 2015. Collection method: clinical testing. Allele origin: unknown.

Mendelics
Classification: Uncertain significance for Ataxia-telangiectasia syndrome. Last evaluated: 2018-07-02. Review status: criteria provided, single submitter. Criteria: Mendelics Assertion Criteria 2017. Collection method: clinical testing. Allele origin: unknown.

Illumina Laboratory Services, Illumina
Classification: Uncertain significance for Ataxia-telangiectasia syndrome. Last evaluated: 2017-04-27. Review status: criteria provided, single submitter. Criteria: ICSL Variant Classification Criteria 13 December 2019. Collection method: clinical testing. Allele origin: germline.

Natera, Inc.
Classification: Uncertain significance for Ataxia-telangiectasia. Last evaluated: 2020-03-01. Review status: no assertion criteria provided. Collection method: clinical testing. Allele origin: germline. Not counted in ClinVar's aggregate classification.

Literature cited by the submitters: PubMed 28652578 (cited by 6 submitters); PubMed 31871109 (cited by 4 submitters); PubMed 35264596 (cited by 4 submitters); PubMed 34250417 (cited by Women's Health and Genetics/Laboratory Corporation of America, LabCorp and Mayo Clinic Laboratories, Mayo Clinic); PubMed 36029002 (cited by Women's Health and Genetics/Laboratory Corporation of America, LabCorp and Mayo Clinic Laboratories, Mayo Clinic); PubMed 35534704 (cited by 3 submitters); PubMed 26689913 (cited by 3 submitters); PubMed 25085752 (cited by Myriad Genetics, Inc.); PubMed 29684080 (cited by 3 submitters); PubMed 33471991 (cited by Department of Pathology and Laboratory Medicine, Sinai Health System and Sema4).